The following is an entry in ClinVar:

NM_001206927.2(DNAH8):c.12618T>G (p.Asp4206Glu)

Gene: DNAH8 (dynein axonemal heavy chain 8; plus strand). Cytogenetic location: 6p21.2.
Variant type: single nucleotide variant.
Coding change: c.12618T>G on transcript NM_001206927.2 (MANE Select); coding-DNA position 12618, T replaced by G.
Protein change: p.Asp4206Glu; replaces aspartic acid 4206 with glutamic acid.
Molecular consequence: missense variant.
Genome position (GRCh38, 1-based): chr6:38,973,753, T>G. VCF-style: chr6-38973753-T-G. GRCh37 (hg19) VCF-style: chr6-38941529-T-G.
Other names: c.11967T>G, p.Asp3989Glu (NM_001371.4); c.12618T>G (NM_001206927.1); short protein forms D4206E, D3989E.
Identifiers: ClinVar variation 2085511 (VCV002085511.3), dbSNP rs752937674, ClinGen allele CA3791411.

ClinVar aggregate classification (germline): Conflicting classifications of pathogenicity. Review status: criteria provided, conflicting classifications (1 of 4 stars). 3 submissions from 3 submitters: Uncertain significance (2); Likely benign (1). Last evaluated 2024-04-23.

Conditions:
Primary ciliary dyskinesia. Also called: Ciliary dyskinesia. Identifiers: Orphanet 244, MedGen C0008780, MONDO:0016575, HP:0012265.

Allele frequency attached by ClinVar (database versions not stated): ExAC 0.00001; gnomAD 0.00001.
gnomAD v4.1: 41 of 1,611,682 alleles (0.0025%); highest among the groups gnomAD compares: Admixed American, 0.0084%; no homozygotes.

Submissions (3):

Ambry Genetics
Classification: Uncertain significance. Last evaluated: 2024-04-23. Review status: criteria provided, single submitter. Criteria: Ambry Variant Classification Scheme 2023. Collection method: clinical testing. Allele origin: germline.

Blueprint Genetics
Classification: Likely benign. Last evaluated: 2023-02-08. Review status: criteria provided, single submitter. Criteria: ACMG Guidelines, 2015. Collection method: clinical testing. Allele origin: germline.

Labcorp Genetics (formerly Invitae), Labcorp
Classification: Uncertain significance for Primary ciliary dyskinesia. Last evaluated: 2022-08-04. Review status: criteria provided, single submitter. Criteria: Invitae Variant Classification Sherloc (09022015). Collection method: clinical testing. Allele origin: germline.
Comment: This sequence change replaces aspartic acid, which is acidic and polar, with glutamic acid, which is acidic and polar, at codon 4206 of the DNAH8 protein (p.Asp4206Glu). This variant is present in population databases (rs752937674, gnomAD 0.009%). This variant has not been reported in the literature in individuals affected with DNAH8-related conditions. Algorithms developed to predict the effect of missense changes on protein structure and function output the following: SIFT: "Tolerated"; PolyPhen-2: "Not Available"; Align-GVGD: "Class C0". The glutamic acid amino acid residue is found in multiple mammalian species, which suggests that this missense change does not adversely affect protein function. In summary, the available evidence is currently insufficient to determine the role of this variant in disease. Therefore, it has been classified as a Variant of Uncertain Significance.